The following is an entry in ClinVar:

NM_002878.4(RAD51D):c.816C>T (p.Pro272=)

Genes: RAD51D (RAD51 paralog D; minus strand), RAD51L3-RFFL (RAD51L3-RFFL readthrough; minus strand). Cytogenetic location: 17q12.
Variant type: single nucleotide variant.
Coding change: c.816C>T on transcript NM_002878.4 (MANE Select); coding-DNA position 816, C replaced by T.
Protein change: p.Pro272=; no amino-acid change (proline 272 retained).
Molecular consequence: synonymous variant. On other transcripts: non-coding transcript variant (3).
Genome position (GRCh38, 1-based): chr17:35,101,288, G>A on the plus strand (C>T on the coding strand, the complement: RAD51D is on the minus strand). VCF-style: chr17-35101288-G-A. GRCh37 (hg19) VCF-style: chr17-33428307-G-A.
Other names: c.876C>T, p.Pro292= (NM_001142571.2); c.480C>T, p.Pro160= (NM_133629.3).
Identifiers: ClinVar variation 2812403 (VCV002812403.4), dbSNP rs565863781, ClinGen allele CA289992859.

ClinVar aggregate classification (germline): Benign/Likely benign. Review status: criteria provided, multiple submitters, no conflicts (2 of 4 stars). 2 submissions from 2 submitters: Benign (1); Likely benign (1). Last evaluated 2025-05-15.

Conditions:
Breast-ovarian cancer, familial, susceptibility to, 4. Identifiers: Orphanet 145, MedGen C3280345, MONDO:0013669, OMIM 614291.

Allele frequency attached by ClinVar (database versions not stated): gnomAD 0.00001.
gnomAD v4.1: 2 of 1,614,098 alleles (0.00012%); highest among the groups gnomAD compares: South Asian, 0.0022%; no homozygotes.

Submissions (2):

Labcorp Genetics (formerly Invitae), Labcorp
Classification: Likely benign for Breast-ovarian cancer, familial, susceptibility to, 4. Last evaluated: 2025-05-15. Review status: criteria provided, single submitter. Criteria: Invitae Variant Classification Sherloc (09022015). Collection method: clinical testing. Allele origin: germline.

Myriad Genetics, Inc.
Classification: Benign for Breast-ovarian cancer, familial, susceptibility to, 4. Last evaluated: 2025-02-24. Review status: criteria provided, single submitter. Criteria: Myriad Autosomal Dominant, Autosomal Recessive and X-Linked Classification Criteria (2023). Collection method: clinical testing. Allele origin: unknown.
Comment: This variant is considered benign. This variant is a silent/synonymous amino acid change and it is not expected to impact splicing.